The following is an entry in ClinVar:

NM_006019.4(TCIRG1):c.1759del (p.Phe586_Leu587insTer)

Gene: TCIRG1 (T cell immune regulator 1, ATPase H+ transporting V0 subunit a3; plus strand). Cytogenetic location: 11q13.2.
Variant type: Deletion.
Coding change: c.1759del on transcript NM_006019.4 (MANE Select); coding-DNA position 1759, one base deleted (C; older notation c.1759delC).
Protein change: p.Phe586_Leu587insTer.
Molecular consequence: nonsense.
Genome position (GRCh38, 1-based): chr11:68,049,166, C deleted; the last of 2 consecutive C bases (chr11:68,049,165-68,049,166); deleting either gives the same sequence. VCF-style (leftmost placement, unchanged base first): chr11-68049164-TC-T. GRCh37 (hg19) VCF-style: chr11-67816631-TC-T.
Other names: c.1759del (NM_006019.3); c.865del, p.Phe288_Leu289insTer (NM_001351059.2); c.1111del, p.Phe370_Leu371insTer (NM_006053.4).
Identifiers: ClinVar variation 2032092 (VCV002032092.5), dbSNP rs766178412, ClinGen allele CA6147256.
Genomic context (GRCh38, chr11:68,049,164, plus strand): 5'-TGCTGCTGGAGACGCTGCCGGAGCTCACCTTCCTGCTGGGACTCTTCGGTTACCTCGTGT[TC>T]CTAGTCATCTACAAGTGGCTGTGTGTCTGGGCTGCCAGGGCCGCCTCGGCCCCCAGCATC-3'

ClinVar aggregate classification (germline): Pathogenic/Likely pathogenic. Review status: criteria provided, multiple submitters, no conflicts (2 of 4 stars). 2 submissions from 2 submitters: Pathogenic (1); Likely pathogenic (1). Last evaluated 2024-11-06.

Conditions:
Autosomal recessive osteopetrosis 1. Also called: ALBERS-SCHONBERG DISEASE, AUTOSOMAL RECESSIVE; TCIRG1-Related Osteopetrosis; TCIRG1-Related Autosomal Recessive Osteopetrosis. Identifiers: Orphanet 667, MedGen C1850127, MONDO:0009815, OMIM 259700.

Submissions (2):

Natera, Inc.
Classification: Likely pathogenic for Infantile malignant osteopetrosis. Last evaluated: 2024-11-06. Review status: criteria provided, single submitter. Criteria: Natera Variant Classification Schema (03/2026). Collection method: clinical testing. Allele origin: germline.
Comment: The c.1759del variant in TCIRG1 is a frameshift variant predicted to shift the reading frame and introduce a stop codon. This variant is expected to result in nonsense mediated decay, truncation, or a dysfunctional protein product. This variant is rare in the general population with a frequency below the threshold expected for the associated phenotype(s). Given the available evidence, this variant is classified as Likely Pathogenic.

Labcorp Genetics (formerly Invitae), Labcorp
Classification: Pathogenic. Last evaluated: 2022-09-23. Review status: criteria provided, single submitter. Criteria: Invitae Variant Classification Sherloc (09022015). Collection method: clinical testing. Allele origin: germline.
Comment: This sequence change creates a premature translational stop signal (p.Leu587*) in the TCIRG1 gene. It is expected to result in an absent or disrupted protein product. Loss-of-function variants in TCIRG1 are known to be pathogenic (PMID: 10888887, 10942435, 11532986, 19448635). This variant is present in population databases (rs766178412, gnomAD 0.003%). This variant has not been reported in the literature in individuals affected with TCIRG1-related conditions. For these reasons, this variant has been classified as Pathogenic.

Literature cited by the submitters: PubMed 10888887 (cited by Labcorp Genetics (formerly Invitae), Labcorp); PubMed 10942435 (cited by Labcorp Genetics (formerly Invitae), Labcorp); PubMed 11532986 (cited by Labcorp Genetics (formerly Invitae), Labcorp); PubMed 19448635 (cited by Labcorp Genetics (formerly Invitae), Labcorp).